The following is an entry in ClinVar:

ClinVar aggregate classification (germline): Uncertain significance (1 of 4 stars; one submission).

Conditions:
Glucose-6-phosphate transport defect (GSD1B). Also called: GSD Ib; Glycogen Storage Disease Type Ib. Identifiers: Orphanet 364, Orphanet 79259, MedGen C0268146, MONDO:0009288, OMIM 232220.

Submission:

Labcorp Genetics (formerly Invitae), Labcorp
Classification: Uncertain significance for Glucose-6-phosphate transport defect. Last evaluated: 2022-12-20. Review status: criteria provided, single submitter. Criteria: Invitae Variant Classification Sherloc (09022015). Collection method: clinical testing. Allele origin: germline.
Comment: This sequence change replaces isoleucine, which is neutral and non-polar, with leucine, which is neutral and non-polar, at codon 346 of the SLC37A4 protein (p.Ile346Leu). This variant is not present in population databases (gnomAD no frequency). In summary, the available evidence is currently insufficient to determine the role of this variant in disease. Therefore, it has been classified as a Variant of Uncertain Significance. Advanced modeling of protein sequence and biophysical properties (such as structural, functional, and spatial information, amino acid conservation, physicochemical variation, residue mobility, and thermodynamic stability) performed at Invitae indicates that this missense variant is not expected to disrupt SLC37A4 protein function. This variant has not been reported in the literature in individuals affected with SLC37A4-related conditions.

NM_001164277.2(SLC37A4):c.1036A>C (p.Ile346Leu)

Gene: SLC37A4 (solute carrier family 37 member 4; minus strand). Cytogenetic location: 11q23.3.
Variant type: single nucleotide variant.
Coding change: c.1036A>C on transcript NM_001164277.2 (MANE Select); coding-DNA position 1036, A replaced by C.
Protein change: p.Ile346Leu; replaces isoleucine 346 with leucine.
Molecular consequence: missense variant.
Genome position (GRCh38, 1-based): chr11:119,025,278, T>G on the plus strand (A>C on the coding strand, the complement: SLC37A4 is on the minus strand). VCF-style: chr11-119025278-T-G. GRCh37 (hg19) VCF-style: chr11-118895988-T-G.
Other names: c.1102A>C, p.Ile368Leu (NM_001164278.2); c.817A>C, p.Ile273Leu (NM_001164279.2); c.1036A>C, p.Ile346Leu (NM_001164280.2, NM_001467.6); short protein forms I273L, I346L, I368L.
Identifiers: ClinVar variation 2822719 (VCV002822719.3), dbSNP rs1943525255, ClinGen allele CA382896042.